The following is an entry in ClinVar:

NM_001365951.3(KIF1B):c.1986C>T (p.Ala662=)

Gene: KIF1B (kinesin family member 1B; plus strand). Cytogenetic location: 1p36.22.
Variant type: single nucleotide variant.
Coding change: c.1986C>T on transcript NM_001365951.3 (MANE Select); coding-DNA position 1986, C replaced by T.
Protein change: p.Ala662=; no amino-acid change (alanine 662 retained).
Molecular consequence: synonymous variant.
Genome position (GRCh38, 1-based): chr1:10,297,021, C>T. VCF-style: chr1-10297021-C-T. GRCh37 (hg19) VCF-style: chr1-10357079-C-T.
Other names: c.1986C>T, p.Ala662= (NM_001365952.1); c.1848C>T, p.Ala616= (NM_001365953.1, NM_015074.3, NM_183416.4).
Identifiers: ClinVar variation 1781274 (VCV001781274.9), dbSNP rs1185107555, ClinGen allele CA416034215.

ClinVar aggregate classification (germline): Likely benign. Review status: criteria provided, multiple submitters, no conflicts (2 of 4 stars). 2 submissions from 2 submitters: Likely benign (2). Last evaluated 2026-01-01.

Allele frequency attached by ClinVar (database versions not stated): TOPMed below 0.00001; gnomAD 0.00001.
gnomAD v4.1: 1 of 1,613,836 alleles (0.000062%); highest among the groups gnomAD compares: African/African-American, 0.0013%; no homozygotes.

Submissions (2):

CeGaT Center for Human Genetics Tuebingen
Classification: Likely benign. Last evaluated: 2026-01-01. Review status: criteria provided, single submitter. Criteria: CeGaT Center For Human Genetics Tuebingen Variant Classification Criteria Version 2. Collection method: clinical testing. Allele origin: germline. Affected: yes. Observed: 5 variant alleles.
Comment: KIF1B: BP4, BP7

Ambry Genetics
Classification: Likely benign. Last evaluated: 2022-03-01. Review status: criteria provided, single submitter. Criteria: Ambry Variant Classification Scheme 2023. Collection method: clinical testing. Allele origin: germline.